The following is an entry in ClinVar:

ClinVar aggregate classification (germline): Pathogenic (1 of 4 stars; one submission).

Allele frequency attached by ClinVar (database versions not stated): gnomAD exomes below 0.00001.
gnomAD v4.1: 1 of 1,613,488 alleles (0.000062%); highest among the groups gnomAD compares: Non-Finnish European, 0.000085%; no homozygotes.

Submission:

Labcorp Genetics (formerly Invitae), Labcorp
Classification: Pathogenic. Last evaluated: 2023-09-24. Review status: criteria provided, single submitter. Criteria: Invitae Variant Classification Sherloc (09022015). Collection method: clinical testing. Allele origin: germline.
Comment: This sequence change creates a premature translational stop signal (p.Gln328*) in the CC2D1A gene. It is expected to result in an absent or disrupted protein product. Loss-of-function variants in CC2D1A are known to be pathogenic (PMID: 16033914). This variant is not present in population databases (gnomAD no frequency). This variant has not been reported in the literature in individuals affected with CC2D1A-related conditions. For these reasons, this variant has been classified as Pathogenic.

Literature cited by the submitters: PubMed 16033914.

NM_017721.5(CC2D1A):c.982C>T (p.Gln328Ter)

Gene: CC2D1A (coiled-coil and C2 domain containing 1A; plus strand). Cytogenetic location: 19p13.12.
Variant type: single nucleotide variant.
Coding change: c.982C>T on transcript NM_017721.5 (MANE Select); coding-DNA position 982, C replaced by T.
Protein change: p.Gln328Ter; replaces glutamine 328 with a stop codon.
Molecular consequence: nonsense.
Genome position (GRCh38, 1-based): chr19:13,918,781, C>T. VCF-style: chr19-13918781-C-T. GRCh37 (hg19) VCF-style: chr19-14029594-C-T.
Other names: c.982C>T, p.Gln328Ter (NM_001411138.1); short protein forms Q328*.
Identifiers: ClinVar variation 2763099 (VCV002763099.3), dbSNP rs2513093007, ClinGen allele CA404382387.